The following is an entry in ClinVar:

NM_005585.5(SMAD6):c.449T>C (p.Leu150Pro)

Gene: SMAD6 (SMAD family member 6; plus strand). Cytogenetic location: 15q22.31.
Variant type: single nucleotide variant.
Coding change: c.449T>C on transcript NM_005585.5 (MANE Select); coding-DNA position 449, T replaced by C.
Protein change: p.Leu150Pro; replaces leucine 150 with proline.
Molecular consequence: missense variant. On other transcripts: non-coding transcript variant (1).
Genome position (GRCh38, 1-based): chr15:66,703,707, T>C. VCF-style: chr15-66703707-T-C. GRCh37 (hg19) VCF-style: chr15-66996045-T-C.
Other names: short protein forms L150P.
Identifiers: ClinVar variation 3445900 (VCV003445900.1).

ClinVar aggregate classification (germline): Uncertain significance (1 of 4 stars; one submission).

Conditions:
Inborn genetic diseases. Identifiers: MedGen C0950123, MeSH D030342.

gnomAD v4.1: 6 of 1,344,782 alleles (0.00045%); highest among the groups gnomAD compares: Non-Finnish European, 0.00058%; no homozygotes.

Submission:

Ambry Genetics
Classification: Uncertain significance for Inborn genetic diseases. Last evaluated: 2024-10-19. Review status: criteria provided, single submitter. Criteria: Ambry Variant Classification Scheme 2023. Collection method: clinical testing. Allele origin: germline.
Comment: The p.L150P variant (also known as c.449T>C), located in coding exon 1 of the SMAD6 gene, results from a T to C substitution at nucleotide position 449. The leucine at codon 150 is replaced by proline, an amino acid with similar properties. This amino acid position is conserved. In addition, this alteration is predicted to be tolerated by in silico analysis. Based on the available evidence, the clinical significance of this variant remains unclear.